The following is an entry in ClinVar:

NM_000393.5(COL5A2):c.2683C>G (p.Leu895Val)

Gene: COL5A2 (collagen type V alpha 2 chain; minus strand). Cytogenetic location: 2q32.2.
Variant type: single nucleotide variant.
Coding change: c.2683C>G on transcript NM_000393.5 (MANE Select); coding-DNA position 2683, C replaced by G.
Protein change: p.Leu895Val; replaces leucine 895 with valine.
Molecular consequence: missense variant.
Genome position (GRCh38, 1-based): chr2:189,052,781, G>C on the plus strand (C>G on the coding strand, the complement: COL5A2 is on the minus strand). VCF-style: chr2-189052781-G-C. GRCh37 (hg19) VCF-style: chr2-189917507-G-C.
Other names: short protein forms L895V.
Identifiers: ClinVar variation 3679068 (VCV003679068.2).

ClinVar aggregate classification (germline): Uncertain significance (1 of 4 stars; one submission).

Conditions:
Ehlers-Danlos syndrome, classic type, 1 (EDSCL1). Also called: EHLERS-DANLOS SYNDROME, GRAVIS TYPE; EHLERS-DANLOS SYNDROME, SEVERE CLASSIC TYPE; Ehlers-Danlos syndrome, type 1; Ehlers-Danlos Syndrome, Classic Type, COL5A1-Related; EDS I. Identifiers: MedGen C0268335, MONDO:0019567, OMIM 130000.

Submission:

Labcorp Genetics (formerly Invitae), Labcorp
Classification: Uncertain significance for Ehlers-Danlos syndrome, classic type, 1. Last evaluated: 2024-06-12. Review status: criteria provided, single submitter. Criteria: Invitae Variant Classification Sherloc (09022015). Collection method: clinical testing. Allele origin: germline.
Comment: This sequence change replaces leucine, which is neutral and non-polar, with valine, which is neutral and non-polar, at codon 895 of the COL5A2 protein (p.Leu895Val). This variant is not present in population databases (gnomAD no frequency). This variant has not been reported in the literature in individuals affected with COL5A2-related conditions. Advanced modeling of protein sequence and biophysical properties (such as structural, functional, and spatial information, amino acid conservation, physicochemical variation, residue mobility, and thermodynamic stability) performed at Invitae indicates that this missense variant is not expected to disrupt COL5A2 protein function with a negative predictive value of 80%. In summary, the available evidence is currently insufficient to determine the role of this variant in disease. Therefore, it has been classified as a Variant of Uncertain Significance.